The following is an entry in ClinVar:

NM_020458.4(TTC7A):c.2017+22C>A

Gene: TTC7A (tetratricopeptide repeat domain 7A; plus strand). Cytogenetic location: 2p21.
Variant type: single nucleotide variant.
Coding change: c.2017+22C>A on transcript NM_020458.4 (MANE Select); 22 bases into the intron after coding-DNA position 2017, C replaced by A.
Molecular consequence: intron variant.
Genome position (GRCh38, 1-based): chr2:47,050,068, C>A. VCF-style: chr2-47050068-C-A. GRCh37 (hg19) VCF-style: chr2-47277207-C-A.
Other names: c.1915+22C>A (NM_001288953.2); c.2089+22C>A (NM_001288951.2); c.955+22C>A (NM_001288955.2).
Identifiers: ClinVar variation 1278664 (VCV001278664.6), dbSNP rs3816066, ClinGen allele CA1647961.

ClinVar aggregate classification (germline): Benign. Review status: criteria provided, multiple submitters, no conflicts (2 of 4 stars). 4 submissions from 4 submitters: Benign (4). Last evaluated 2024-01-24.

Conditions:
Gastrointestinal defects and immunodeficiency syndrome 1 (GIDID1). Also called: Combined immunodeficiency-enteropathy spectrum. Identifiers: Orphanet 436252, MedGen C5968858, MONDO:0800030, OMIM 243150.

Allele frequency attached by ClinVar (database versions not stated): ESP Exome Variant Server 0.08104; gnomAD 0.50965 and 0.51005; TOPMed 0.53160; 1000 Genomes Project 30x 0.60493; 1000 Genomes Project 0.61102.
gnomAD v4.1: 652,286 of 1,587,402 alleles (41%); highest among the groups gnomAD compares: African/African-American, 75%; 143,106 homozygotes.

Submissions (4):

Unidad de Genómica Garrahan, Hospital de Pediatría Garrahan
Classification: Benign. Last evaluated: 2024-01-24. Review status: criteria provided, single submitter. Criteria: ACMG Guidelines, 2015. Collection method: clinical testing. Allele origin: germline. Affected: no. Observed: 72 variant alleles.
Comment: This variant is classified as Benign based on local population frequency. This variant was detected in 76% of patients studied by a panel of primary immunodeficiencies. Number of patients: 72. Only high quality variants are reported.

Genome-Nilou Lab
Classification: Benign for Gastrointestinal defects and immunodeficiency syndrome 1. Last evaluated: 2021-09-10. Review status: criteria provided, single submitter. Criteria: ACMG Guidelines, 2015. Collection method: clinical testing. Allele origin: germline. Affected: no.

GeneDx
Classification: Benign. Last evaluated: 2018-07-09. Review status: criteria provided, single submitter. Criteria: GeneDx Variant Classification Process June 2021. Collection method: clinical testing. Allele origin: germline. Affected: yes.

Breakthrough Genomics
Classification: Benign. Review status: criteria provided, single submitter. Criteria: ACMG Guidelines, 2015. Collection method: not provided. Allele origin: germline. Inheritance: Autosomal recessive inheritance. Affected: yes.